The following is an entry in ClinVar:

NM_024675.4(PALB2):c.2750T>C (p.Val917Ala)

Gene: PALB2 (partner and localizer of BRCA2; minus strand). Cytogenetic location: 16p12.2.
Variant type: single nucleotide variant.
Coding change: c.2750T>C on transcript NM_024675.4 (MANE Select); coding-DNA position 2750, T replaced by C.
Protein change: p.Val917Ala; replaces valine 917 with alanine.
Molecular consequence: missense variant.
Genome position (GRCh38, 1-based): chr16:23,624,093, A>G on the plus strand (T>C on the coding strand, the complement: PALB2 is on the minus strand). VCF-style: chr16-23624093-A-G. GRCh37 (hg19) VCF-style: chr16-23635414-A-G.
Other names: short protein forms V917A.
Identifiers: ClinVar variation 231633 (VCV000231633.22), dbSNP rs763645981, ClinGen allele CA7963489.

ClinVar aggregate classification (germline): Uncertain significance. Review status: criteria provided, multiple submitters, no conflicts (2 of 4 stars). 6 submissions from 6 submitters: Uncertain significance (5). 1 of the submissions does not count toward it. Last evaluated 2025-11-03.

Conditions:
Familial cancer of breast. Also called: hereditary breast carcinoma; BREAST CANCER, FAMILIAL; Hereditary breast cancer. Identifiers: Orphanet 227535, MedGen C0346153, MONDO:0016419, OMIM 114480. Disease mechanism: loss of function.
Hereditary cancer-predisposing syndrome. Also called: Hereditary neoplastic syndrome; Tumor predisposition; Neoplastic Syndromes, Hereditary; Hereditary Cancer Syndrome. Identifiers: Orphanet 140162, MedGen C0027672, MeSH D009386, MONDO:0015356.
Carcinoma of colon (CRC). Also called: Colon carcinoma; Colonic carcinoma. Identifiers: MedGen C0699790, MONDO:0002032.

Allele frequency attached by ClinVar (database versions not stated): ExAC 0.00001; gnomAD 0.00001.
gnomAD v4.1: 24 of 1,601,978 alleles (0.0015%); highest among the groups gnomAD compares: Non-Finnish European, 0.0019%; no homozygotes.

Submissions (6):

Labcorp Genetics (formerly Invitae), Labcorp
Classification: Uncertain significance for Familial cancer of breast. Last evaluated: 2025-11-03. Review status: criteria provided, single submitter. Criteria: Invitae Variant Classification Sherloc (09022015). Collection method: clinical testing. Allele origin: germline.
Comment: This sequence change replaces valine, which is neutral and non-polar, with alanine, which is neutral and non-polar, at codon 917 of the PALB2 protein (p.Val917Ala). The frequency data for this variant in the population databases is considered unreliable, as metrics indicate poor data quality at this position in the gnomAD database. This missense change has been observed in individual(s) with breast cancer (PMID: 21618343, 30303537, 34846068). ClinVar contains an entry for this variant (Variation ID: 231633). An algorithm developed to predict the effect of missense changes on protein structure and function (PolyPhen-2) suggests that this variant is likely to be disruptive. In summary, the available evidence is currently insufficient to determine the role of this variant in disease. Therefore, it has been classified as a Variant of Uncertain Significance.

ARUP Laboratories, Molecular Genetics and Genomics, ARUP Laboratories
Classification: Uncertain significance. Last evaluated: 2025-07-17. Review status: criteria provided, single submitter. Criteria: ARUP Molecular Germline Variant Investigation Process 2024. Collection method: clinical testing. Allele origin: germline.
Comment: The PALB2 c.2750T>C; p.Val917Ala variant (rs763645981, ClinVar Variation ID: 231633) is reported in the literature in individuals affected with breast cancer (Girard 2019, Hauke 2018, Hellebrand 2011). This variant is only observed on one allele in the Genome Aggregation Database (v2.1.1), indicating it is not a common polymorphism. Computational analyses predict that this variant is neutral (REVEL: 0.107). A minigene splice assay found this variant produced a full length minigene transcript (Valenzuela-Palomo 2022). Due to limited information, the clinical significance of this variant is uncertain at this time. References: Girard E et al. Familial breast cancer and DNA repair genes: Insights into known and novel susceptibility genes from the GENESIS study, and implications for multigene panel testing. Int J Cancer. 2019 Apr 15;144(8):1962-1974. PMID: 30303537. Hauke J et al. Gene panel testing of 5589 BRCA1/2-negative index patients with breast cancer in a routine diagnostic setting: results of the German Consortium for Hereditary Breast and Ovarian Cancer. Cancer Med. 2018 Apr;7(4):1349-1358. PMID: 29522266. Hellebrand H et al. Germline mutations in the PALB2 gene are population specific and occur with low frequencies in familial breast cancer. Hum Mutat. 2011 Jun;32(6):E2176-88. PMID: 21618343. Valenzuela-Palomo A et al. Splicing predictions, minigene analyses, and ACMG-AMP clinical classification of 42 germline PALB2 splice-site variants. J Pathol. 2022 Mar;256(3):321-334. PMID: 34846068.

Ambry Genetics
Classification: Uncertain significance for Hereditary cancer-predisposing syndrome. Last evaluated: 2024-12-05. Review status: criteria provided, single submitter. Criteria: Ambry Variant Classification Scheme 2023. Collection method: clinical testing. Allele origin: germline.
Comment: The p.V917A variant (also known as c.2750T>C), located in coding exon 8 of the PALB2 gene, results from a T to C substitution at nucleotide position 2750. The valine at codon 917 is replaced by alanine, an amino acid with similar properties. This alteration has been identified in multiple individuals diagnosed with breast cancer (Hellebrand H et al. Hum Mutat, 2011 Jun;32:E2176-88; Hauke J et al. Cancer Med, 2018 04;7:1349-1358). This amino acid position is not well conserved in available vertebrate species. In addition, this alteration is predicted to be tolerated by in silico analysis. Since supporting evidence is limited at this time, the clinical significance of this alteration remains unclear.

Baylor Genetics
Classification: Uncertain significance for Familial cancer of breast. Last evaluated: 2023-07-26. Review status: criteria provided, single submitter. Criteria: ACMG Guidelines, 2015. Collection method: clinical testing. Allele origin: unknown.

Color Diagnostics, LLC DBA Color Health
Classification: Uncertain significance for Hereditary cancer-predisposing syndrome. Last evaluated: 2019-11-18. Review status: criteria provided, single submitter. Criteria: ACMG Guidelines, 2015. Collection method: clinical testing. Allele origin: germline.
Comment: This missense variant replaces valine with alanine at codon 917 of the PALB2 protein. Computational prediction suggests that this variant may not impact protein structure and function (internally defined REVEL score threshold <= 0.5, PMID: 27666373). Splice site prediction tools suggest that this variant may not impact RNA splicing. To our knowledge, functional studies have not been performed for this variant. This variant has been reported in an individual affected with breast cancer (PMID: 21618343). This variant has also been identified in 1/249522 chromosomes in the general population by the Genome Aggregation Database (gnomAD). The available evidence is insufficient to determine the role of this variant in disease conclusively. Therefore, this variant is classified as a Variant of Uncertain Significance.

Department of Pathology and Laboratory Medicine, Sinai Health System
Classification: Uncertain significance for Carcinoma of colon. Review status: no assertion criteria provided. Collection method: clinical testing. Allele origin: unknown. Affected: yes. Study: The Canadian Open Genetics Repository (COGR). Not counted in ClinVar's aggregate classification.
Comment: The PALB2 p.Val917Ala variant was identified in 1 of 1636 proband chromosomes (frequency: 0.0006) from individuals or families with breast or ovarian cancer (Hellebrand 2011). The variant was identified in dbSNP (rs763645981) as â€šÃ„Ãºwith uncertain significance alleleâ€šÃ„Ã¹, ClinVar (classified as uncertain significance by Invitae, Ambry Genetics and Color) and LOVD 3.0 (observed 7x). The variant was identified in control databases in 1 of 249,522 chromosomes at a frequency of 0.000004 (Genome Aggregation Database Feb 27, 2017). The variant was observed in the European population in 1 of 112,524 chromosomes (freq: 0.000009); it was not observed in the African, Latino, Ashkenazi Jewish, East Asian, Finnish, Other or South Asian populations. The p.Val917 residue is not conserved in mammals and computational analyses (PolyPhen-2, SIFT, AlignGVGD, BLOSUM, MutationTaster) provide inconsistent predictions regarding the impact to the protein; this information is not very predictive of pathogenicity. The p.Val917Ala variant occurs in the first base of the exon. This position has been shown to be part of the splicing consensus sequence and variants involving this position sometimes affect splicing. In addition, 1 of 4 in silico or computational prediction software programs (SpliceSiteFinder, MaxEntScan, NNSPLICE, GeneSplicer) predicts a greater than 10% difference in splicing. In summary, based on the above information, the clinical significance of this variant cannot be determined with certainty at this time. This variant is classified as a variant of uncertain significance.

Literature cited by the submitters: PubMed 21618343 (cited by Labcorp Genetics (formerly Invitae), Labcorp and Ambry Genetics); PubMed 30303537 (cited by Labcorp Genetics (formerly Invitae), Labcorp); PubMed 34846068 (cited by Labcorp Genetics (formerly Invitae), Labcorp); PubMed 29522266 (cited by Ambry Genetics).